The following is an entry in ClinVar:

ClinVar aggregate classification (germline): Uncertain significance. Review status: criteria provided, multiple submitters, no conflicts (2 of 4 stars). 2 submissions from 2 submitters: Uncertain significance (2). Last evaluated 2024-05-14.

Conditions:
Inborn genetic diseases. Identifiers: MedGen C0950123, MeSH D030342.
Spastic paraplegia. Identifiers: MedGen C0037772, HP:0001258.

Allele frequency attached by ClinVar (database versions not stated): gnomAD exomes below 0.00001 and 0.00001.
gnomAD v4.1: 6 of 1,589,400 alleles (0.00038%); highest among the groups gnomAD compares: Non-Finnish European, 0.00051%; no homozygotes.

Submissions (2):

Ambry Genetics
Classification: Uncertain significance for Inborn genetic diseases. Last evaluated: 2024-05-14. Review status: criteria provided, single submitter. Criteria: Ambry Variant Classification Scheme 2023. Collection method: clinical testing. Allele origin: germline.

Labcorp Genetics (formerly Invitae), Labcorp
Classification: Uncertain significance for Spastic paraplegia. Last evaluated: 2020-02-05. Review status: criteria provided, single submitter. Criteria: Invitae Variant Classification Sherloc (09022015). Collection method: clinical testing. Allele origin: germline.
Comment: In summary, the available evidence is currently insufficient to determine the role of this variant in disease. Therefore, it has been classified as a Variant of Uncertain Significance. Algorithms developed to predict the effect of missense changes on protein structure and function output the following: SIFT: "Deleterious"; PolyPhen-2: "Benign"; Align-GVGD: "Class C0". The alanine amino acid residue is found in multiple mammalian species, suggesting that this missense change does not adversely affect protein function. These predictions have not been confirmed by published functional studies and their clinical significance is uncertain. This variant has not been reported in the literature in individuals with GJC2-related conditions. This variant is not present in population databases (ExAC no frequency). This sequence change replaces valine with alanine at codon 403 of the GJC2 protein (p.Val403Ala). The valine residue is moderately conserved and there is a small physicochemical difference between valine and alanine.

NM_020435.4(GJC2):c.1208T>C (p.Val403Ala)

Gene: GJC2 (gap junction protein gamma 2; plus strand). Cytogenetic location: 1q42.13.
Variant type: single nucleotide variant.
Coding change: c.1208T>C on transcript NM_020435.4 (MANE Select); coding-DNA position 1208, T replaced by C.
Protein change: p.Val403Ala; replaces valine 403 with alanine.
Molecular consequence: missense variant.
Genome position (GRCh38, 1-based): chr1:228,158,966, T>C. VCF-style: chr1-228158966-T-C. GRCh37 (hg19) VCF-style: chr1-228346667-T-C.
Other names: c.1208T>C (NM_020435.3); short protein forms V403A.
Identifiers: ClinVar variation 1021338 (VCV001021338.9), dbSNP rs1310388444, ClinGen allele CA345100767.
Genomic context (GRCh38, chr1:228,158,966, plus strand): 5'-GGCCCCCCAGAGCAGGCGCCCCCGCGTCCCGGACGGGCAGTGCTACCTCTGCGGGCACTG[T>C]CGGGGAGCAGGGCCGGCCCGGCACCCACGAGCGGCCAGGAGCCAAGCCCAGGGCTGGCTC-3'
Protein context (NP_065168.2, residues 393-413): RTGSATSAGT[Val403Ala]GEQGRPGTHE